The following is an entry in ClinVar:

NM_175875.5(SIX5):c.774C>G (p.Thr258=)

Genes: DM1-AS (DM1 locus antisense RNA; plus strand), SIX5 (SIX homeobox 5; minus strand), LOC107075317 (origin of replication in DMPK trinucleotide repeat region; plus strand). Cytogenetic location: 19q13.32.
Variant type: single nucleotide variant.
Coding change: c.774C>G on transcript NM_175875.5 (MANE Select); coding-DNA position 774, C replaced by G.
Protein change: p.Thr258=; no amino-acid change (threonine 258 retained).
Molecular consequence: synonymous variant. On other transcripts: non-coding transcript variant (1).
Genome position (GRCh38, 1-based): chr19:45,768,071, G>C on the plus strand (C>G on the coding strand, the complement: SIX5 is on the minus strand). VCF-style: chr19-45768071-G-C. GRCh37 (hg19) VCF-style: chr19-46271329-G-C.
Identifiers: ClinVar variation 3050491 (VCV003050491.2), dbSNP rs760968885, ClinGen allele CA406422898.

ClinVar aggregate classification (germline): Likely benign (0 of 4 stars; one submission).

Conditions:
SIX5-related disorder. Also called: SIX5-related condition.

gnomAD v4.1: 10 of 1,599,034 alleles (0.00063%); highest among the groups gnomAD compares: African/African-American, 0.004%; no homozygotes.

Submission:

PreventionGenetics, part of Exact Sciences
Classification: Likely benign for SIX5-related condition. Last evaluated: 2019-07-17. Review status: no assertion criteria provided. Collection method: clinical testing. Allele origin: germline.
Comment: This variant is classified as likely benign based on ACMG/AMP sequence variant interpretation guidelines (Richards et al. 2015 PMID: 25741868, with internal and published modifications).